The following is an entry in ClinVar:

NM_002485.5(NBN):c.1621G>A (p.Ala541Thr)

Gene: NBN (nibrin; minus strand). Cytogenetic location: 8q21.3.
Variant type: single nucleotide variant.
Coding change: c.1621G>A on transcript NM_002485.5 (MANE Select); coding-DNA position 1621, G replaced by A.
Protein change: p.Ala541Thr; replaces alanine 541 with threonine.
Molecular consequence: missense variant.
Genome position (GRCh38, 1-based): chr8:89,953,468, C>T on the plus strand (G>A on the coding strand, the complement: NBN is on the minus strand). VCF-style: chr8-89953468-C-T. GRCh37 (hg19) VCF-style: chr8-90965696-C-T.
Other names: c.1375G>A, p.Ala459Thr (NM_001024688.3); short protein forms A541T, A459T.
Identifiers: ClinVar variation 2123305 (VCV002123305.4), dbSNP rs2129700021, ClinGen allele CA371655460.

ClinVar aggregate classification (germline): Uncertain significance (1 of 4 stars; one submission).

Conditions:
Microcephaly, normal intelligence and immunodeficiency (NBS). Also called: Nijmegen breakage syndrome; Microcephaly with normal intelligence immunodeficiency and lymphoreticular malignancies; Nonsyndromal microcephaly autosomal recessive with normal intelligence; Seemanova syndrome 2; Immunodeficiency, microcephaly with normal intelligence; Ataxia telangiectasia variant V1. Identifiers: Orphanet 647, MedGen C0398791, MONDO:0009623, OMIM 251260.

Submission:

Labcorp Genetics (formerly Invitae), Labcorp
Classification: Uncertain significance for Microcephaly, normal intelligence and immunodeficiency. Last evaluated: 2022-04-08. Review status: criteria provided, single submitter. Criteria: Invitae Variant Classification Sherloc (09022015). Collection method: clinical testing. Allele origin: germline.
Comment: This sequence change replaces alanine, which is neutral and non-polar, with threonine, which is neutral and polar, at codon 541 of the NBN protein (p.Ala541Thr). This variant is not present in population databases (gnomAD no frequency). This variant has not been reported in the literature in individuals affected with NBN-related conditions. Algorithms developed to predict the effect of missense changes on protein structure and function (SIFT, PolyPhen-2, Align-GVGD) all suggest that this variant is likely to be tolerated. In summary, the available evidence is currently insufficient to determine the role of this variant in disease. Therefore, it has been classified as a Variant of Uncertain Significance.